The following is an entry in ClinVar:

NM_000250.2(MPO):c.1810C>T (p.Arg604Cys)

Gene: MPO (myeloperoxidase; minus strand). Cytogenetic location: 17q22.
Variant type: single nucleotide variant.
Coding change: c.1810C>T on transcript NM_000250.2 (MANE Select); coding-DNA position 1810, C replaced by T.
Protein change: p.Arg604Cys; replaces arginine 604 with cysteine.
Molecular consequence: missense variant.
Genome position (GRCh38, 1-based): chr17:58,271,875, G>A on the plus strand (C>T on the coding strand, the complement: MPO is on the minus strand). VCF-style: chr17-58271875-G-A. GRCh37 (hg19) VCF-style: chr17-56349236-G-A.
Other names: NC_000017.10:g.56349236G>A; short protein forms R604C.
Identifiers: ClinVar variation 727047 (VCV000727047.6), dbSNP rs35670089, ClinGen allele CA8670518.

ClinVar aggregate classification (germline): Likely benign. Review status: criteria provided, multiple submitters, no conflicts (2 of 4 stars). 3 submissions from 3 submitters: Likely benign (3). Last evaluated 2024-12-31.

Conditions:
MPO-related disorder. Also called: MPO-related condition.

Allele frequency attached by ClinVar (database versions not stated): gnomAD 0.00013 and 0.00019; gnomAD exomes 0.00018 and 0.00034; TOPMed 0.00022; ExAC 0.00039; 1000 Genomes Project 30x 0.00094; 1000 Genomes Project 0.00100.
gnomAD v4.1: 290 of 1,614,034 alleles (0.018%); highest among the groups gnomAD compares: East Asian, 0.45%; 1 homozygote.

Submissions (5):

PreventionGenetics, part of Exact Sciences
Classification: Likely benign for MPO-related condition. Last evaluated: 2024-12-31. Review status: criteria provided, single submitter. Criteria: ACMG Guidelines, 2015. Collection method: clinical testing. Allele origin: germline.
Comment: This variant is classified as likely benign based on ACMG/AMP sequence variant interpretation guidelines (Richards et al. 2015 PMID: 25741868, with internal and published modifications).

Blueprint Genetics
Classification: Likely benign. Last evaluated: 2024-11-25. Review status: criteria provided, single submitter. Criteria: ACMG Guidelines, 2015. Collection method: clinical testing. Allele origin: germline.

Labcorp Genetics (formerly Invitae), Labcorp
Classification: Likely benign. Last evaluated: 2018-02-25. Review status: criteria provided, single submitter. Criteria: Invitae Variant Classification Sherloc (09022015). Collection method: clinical testing. Allele origin: germline.

Dr. Peter K. Rogan Lab, Western University
No classification provided (evidence only). Condition: Uterine corpus endometrial carcinoma. Review status: no classification provided. Collection method: in vitro. Allele origin: not applicable. Functional consequence: retained intron. Not counted in ClinVar's aggregate classification.

Dr. Peter K. Rogan Lab, Western University
No classification provided (evidence only). Condition: Cervical cancer. Review status: no classification provided. Collection method: in vitro. Allele origin: not applicable. Functional consequence: retained intron. Not counted in ClinVar's aggregate classification.